The following is an entry in ClinVar:

NM_001321967.2(ATAD1):c.595C>T (p.Arg199Ter)

Gene: ATAD1 (ATPase family AAA domain containing 1; minus strand). Cytogenetic location: 10q23.31.
Variant type: single nucleotide variant.
Coding change: c.595C>T on transcript NM_001321967.2 (MANE Select); coding-DNA position 595, C replaced by T.
Protein change: p.Arg199Ter; replaces arginine 199 with a stop codon.
Molecular consequence: nonsense. On other transcripts: non-coding transcript variant (1).
Genome position (GRCh38, 1-based): chr10:87,776,416, G>A on the plus strand (C>T on the coding strand, the complement: ATAD1 is on the minus strand). VCF-style: chr10-87776416-G-A. GRCh37 (hg19) VCF-style: chr10-89536173-G-A.
Other names: c.595C>T, p.Arg199Ter (NM_001321968.2, NM_032810.4); c.238C>T, p.Arg80Ter (NM_001321969.2); short protein forms R199*, R80*.
Identifiers: ClinVar variation 1948885 (VCV001948885.5), dbSNP rs771096246, ClinGen allele CA5590044.

ClinVar aggregate classification (germline): Uncertain significance (1 of 4 stars; one submission).

Allele frequency attached by ClinVar (database versions not stated): ExAC 0.00002.
gnomAD v4.1: 3 of 1,612,400 alleles (0.00019%); highest among the groups gnomAD compares: South Asian, 0.0011%; no homozygotes.

Submission:

Labcorp Genetics (formerly Invitae), Labcorp
Classification: Uncertain significance. Last evaluated: 2024-10-25. Review status: criteria provided, single submitter. Criteria: Invitae Variant Classification Sherloc (09022015). Collection method: clinical testing. Allele origin: germline.
Comment: This sequence change creates a premature translational stop signal (p.Arg199*) in the ATAD1 gene. It is expected to result in an absent or disrupted protein product. However, the current clinical and genetic evidence is not sufficient to establish whether loss-of-function variants in ATAD1 cause disease. This variant is present in population databases (rs771096246, gnomAD 0.004%). This variant has not been reported in the literature in individuals affected with ATAD1-related conditions. ClinVar contains an entry for this variant (Variation ID: 1948885). Algorithms developed to predict the effect of sequence changes on RNA splicing suggest that this variant may disrupt the consensus splice site. In summary, the available evidence is currently insufficient to determine the role of this variant in disease. Therefore, it has been classified as a Variant of Uncertain Significance.